The following is an entry in ClinVar:

ClinVar aggregate classification (germline): Uncertain significance (1 of 4 stars; one submission).

Conditions:
Kleefstra syndrome 1 (KLEFS1). Identifiers: Orphanet 261494, MedGen C0795833, MONDO:0027407, OMIM 610253.

gnomAD v4.1: 1 of 1,606,750 alleles (0.000062%); no homozygotes.

Submission:

Labcorp Genetics (formerly Invitae), Labcorp
Classification: Uncertain significance for Kleefstra syndrome 1. Last evaluated: 2024-02-13. Review status: criteria provided, single submitter. Criteria: Invitae Variant Classification Sherloc (09022015). Collection method: clinical testing. Allele origin: germline.
Comment: This sequence change replaces aspartic acid, which is acidic and polar, with glutamic acid, which is acidic and polar, at codon 51 of the EHMT1 protein (p.Asp51Glu). This variant is not present in population databases (gnomAD no frequency). This variant has not been reported in the literature in individuals affected with EHMT1-related conditions. An algorithm developed to predict the effect of missense changes on protein structure and function (PolyPhen-2) suggests that this variant is likely to be disruptive. Algorithms developed to predict the effect of sequence changes on RNA splicing suggest that this variant may create or strengthen a splice site. In summary, the available evidence is currently insufficient to determine the role of this variant in disease. Therefore, it has been classified as a Variant of Uncertain Significance.

NM_024757.5(EHMT1):c.153C>A (p.Asp51Glu)

Gene: EHMT1 (euchromatic histone lysine methyltransferase 1; plus strand). Cytogenetic location: 9q34.3.
Variant type: single nucleotide variant.
Coding change: c.153C>A on transcript NM_024757.5 (MANE Select); coding-DNA position 153, C replaced by A.
Protein change: p.Asp51Glu; replaces aspartic acid 51 with glutamic acid.
Molecular consequence: missense variant.
Genome position (GRCh38, 1-based): chr9:137,716,693, C>A. VCF-style: chr9-137716693-C-A. GRCh37 (hg19) VCF-style: chr9-140611145-C-A.
Other names: c.153C>A, p.Asp51Glu (NM_001145527.2, NM_001354263.2, NM_001354611.2); c.60C>A, p.Asp20Glu (NM_001354259.2, NM_001354612.2); short protein forms D20E, D51E.
Identifiers: ClinVar variation 3620826 (VCV003620826.2).